The following is an entry in ClinVar:

NM_130384.3(ATRIP):c.5C>G (p.Ala2Gly)

Genes: ATRIP (ATR interacting protein; plus strand), ATRIP-TREX1 (ATRIP-TREX1 readthrough; plus strand), LOC129936703 (ATAC-STARR-seq lymphoblastoid silent region 14331; plus strand). Cytogenetic location: 3p21.31.
Variant type: single nucleotide variant.
Coding change: c.5C>G on transcript NM_130384.3 (MANE Select); coding-DNA position 5, C replaced by G.
Protein change: p.Ala2Gly; replaces alanine 2 with glycine.
Molecular consequence: missense variant. On other transcripts: non-coding transcript variant (1), intron variant (1).
Genome position (GRCh38, 1-based): chr3:48,446,850, C>G. VCF-style: chr3-48446850-C-G. GRCh37 (hg19) VCF-style: chr3-48488254-C-G.
Other names: c.5C>G, p.Ala2Gly (NM_032166.4); c.-218+51C>G (NM_001271022.2); c.5C>G (NM_130384.1); short protein forms A2G.
Identifiers: ClinVar variation 4778307 (VCV004778307.2).

ClinVar aggregate classification (germline): Uncertain significance. Review status: criteria provided, multiple submitters, no conflicts (2 of 4 stars). 2 submissions from 2 submitters: Uncertain significance (2). Last evaluated 2026-08-03.

Submissions (2):

Ambry Genetics
Classification: Uncertain significance. Last evaluated: 2026-08-03. Review status: criteria provided, single submitter. Criteria: Ambry Variant Classification Scheme 2023. Collection method: clinical testing. Allele origin: germline.
Comment: The p.A2G variant (also known as c.5C>G), located in coding exon 1 of the ATRIP gene, results from a C to G substitution at nucleotide position 5. The alanine at codon 2 is replaced by glycine, an amino acid with similar properties. This amino acid position is conserved. In addition, this alteration is predicted to be tolerated by in silico analysis. Based on the available evidence, the clinical significance of this variant remains unclear.

Labcorp Genetics (formerly Invitae), Labcorp
Classification: Uncertain significance. Last evaluated: 2025-03-31. Review status: criteria provided, single submitter. Criteria: Invitae Variant Classification Sherloc (09022015). Collection method: clinical testing. Allele origin: germline.
Comment: This sequence change replaces alanine, which is neutral and non-polar, with glycine, which is neutral and non-polar, at codon 2 of the ATRIP protein (p.Ala2Gly). This variant is not present in population databases (gnomAD no frequency). This variant has not been reported in the literature in individuals affected with ATRIP-related conditions. An algorithm developed to predict the effect of missense changes on protein structure and function (PolyPhen-2) suggests that this variant is likely to be disruptive. In summary, the available evidence is currently insufficient to determine the role of this variant in disease. Therefore, it has been classified as a Variant of Uncertain Significance.